The following is an entry in ClinVar:

NM_001378454.1(ALMS1):c.3232G>C (p.Ala1078Pro)

Gene: ALMS1 (ALMS1 centrosome and basal body associated protein; plus strand). Cytogenetic location: 2p13.1.
Variant type: single nucleotide variant.
Coding change: c.3232G>C on transcript NM_001378454.1 (MANE Select); coding-DNA position 3232, G replaced by C.
Protein change: p.Ala1078Pro; replaces alanine 1078 with proline.
Molecular consequence: missense variant.
Genome position (GRCh38, 1-based): chr2:73,449,759, G>C. VCF-style: chr2-73449759-G-C. GRCh37 (hg19) VCF-style: chr2-73676886-G-C.
Other names: c.3235G>C, p.Ala1079Pro (NM_015120.4); short protein forms A1078P, A1079P.
Identifiers: ClinVar variation 1411808 (VCV001411808.5), dbSNP rs1249823614, ClinGen allele CA347274410.

ClinVar aggregate classification (germline): Uncertain significance (1 of 4 stars; one submission).

Conditions:
Alstrom syndrome (ALMS). Identifiers: Orphanet 64, MedGen C0268425, MONDO:0008763, OMIM 203800.

Allele frequency attached by ClinVar (database versions not stated): TOPMed below 0.00001.

Submission:

Labcorp Genetics (formerly Invitae), Labcorp
Classification: Uncertain significance for Alstrom syndrome. Last evaluated: 2025-04-16. Review status: criteria provided, single submitter. Criteria: Invitae Variant Classification Sherloc (09022015). Collection method: clinical testing. Allele origin: germline.
Comment: This sequence change replaces alanine, which is neutral and non-polar, with proline, which is neutral and non-polar, at codon 1079 of the ALMS1 protein (p.Ala1079Pro). This variant is not present in population databases (gnomAD no frequency). This variant has not been reported in the literature in individuals affected with ALMS1-related conditions. ClinVar contains an entry for this variant (Variation ID: 1411808). Experimental studies and prediction algorithms are not available or were not evaluated, and the functional significance of this variant is currently unknown. In summary, the available evidence is currently insufficient to determine the role of this variant in disease. Therefore, it has been classified as a Variant of Uncertain Significance.